The following is an entry in ClinVar:

NM_021076.4(NEFH):c.187A>G (p.Ser63Gly)

Gene: NEFH (neurofilament heavy chain; plus strand). Cytogenetic location: 22q12.2.
Variant type: single nucleotide variant.
Coding change: c.187A>G on transcript NM_021076.4 (MANE Select); coding-DNA position 187, A replaced by G.
Protein change: p.Ser63Gly; replaces serine 63 with glycine.
Molecular consequence: missense variant.
Genome position (GRCh38, 1-based): chr22:29,480,449, A>G. VCF-style: chr22-29480449-A-G. GRCh37 (hg19) VCF-style: chr22-29876438-A-G.
Other names: p.Ser63Gly; c.187A>G (NM_021076.3); short protein forms S63G.
Identifiers: ClinVar variation 1381127 (VCV001381127.10), dbSNP rs1027454094, ClinGen allele CA323082806.

ClinVar aggregate classification (germline): Uncertain significance. Review status: criteria provided, multiple submitters, no conflicts (2 of 4 stars). 4 submissions from 4 submitters: Uncertain significance (3). 1 of the submissions does not count toward it. Last evaluated 2025-02-24.

Conditions:
NEFH-related disorder. Also called: NEFH-related condition.

Allele frequency attached by ClinVar (database versions not stated): gnomAD 0.00001; TOPMed 0.00001; gnomAD exomes 0.00002.
gnomAD v4.1: 23 of 1,531,888 alleles (0.0015%); highest among the groups gnomAD compares: Admixed American, 0.0039%; no homozygotes.

Submissions (4):

Mayo Clinic Laboratories, Mayo Clinic
Classification: Uncertain significance. Last evaluated: 2025-02-24. Review status: criteria provided, single submitter. Criteria: ACMG Guidelines, 2015. Collection method: clinical testing. Allele origin: germline. Observed: 2 variant alleles.
Comment: BP4_moderate

Labcorp Genetics (formerly Invitae), Labcorp
Classification: Uncertain significance. Last evaluated: 2024-11-12. Review status: criteria provided, single submitter. Criteria: Invitae Variant Classification Sherloc (09022015). Collection method: clinical testing. Allele origin: germline.
Comment: This sequence change replaces serine, which is neutral and polar, with glycine, which is neutral and non-polar, at codon 63 of the NEFH protein (p.Ser63Gly). This variant is present in population databases (no rsID available, gnomAD 0.002%). This variant has not been reported in the literature in individuals affected with NEFH-related conditions. ClinVar contains an entry for this variant (Variation ID: 1381127). Invitae Evidence Modeling of protein sequence and biophysical properties (such as structural, functional, and spatial information, amino acid conservation, physicochemical variation, residue mobility, and thermodynamic stability) indicates that this missense variant is not expected to disrupt NEFH protein function with a negative predictive value of 95%. In summary, the available evidence is currently insufficient to determine the role of this variant in disease. Therefore, it has been classified as a Variant of Uncertain Significance.

GeneDx
Classification: Uncertain significance. Last evaluated: 2022-10-25. Review status: criteria provided, single submitter. Criteria: GeneDx Variant Classification Process June 2021. Collection method: clinical testing. Allele origin: germline. Affected: yes.
Comment: In silico analysis supports that this missense variant does not alter protein structure/function; Has not been previously published as pathogenic or benign to our knowledge

PreventionGenetics, part of Exact Sciences
Classification: Uncertain significance for NEFH-related condition. Last evaluated: 2024-03-13. Review status: no assertion criteria provided. Collection method: clinical testing. Allele origin: germline. Not counted in ClinVar's aggregate classification.
Comment: The NEFH c.187A>G variant is predicted to result in the amino acid substitution p.Ser63Gly. To our knowledge, this variant has not been reported in the literature. This variant is reported in 0.0042% of alleles in individuals of European (Non-Finnish) descent in gnomAD. At this time, the clinical significance of this variant is uncertain due to the absence of conclusive functional and genetic evidence.